The following is an entry in ClinVar:

NM_001039660.2(IL18BP):c.239G>A (p.Gly80Glu)

Gene: IL18BP (interleukin 18 binding protein; plus strand). Cytogenetic location: 11q13.4.
Variant type: single nucleotide variant.
Coding change: c.239G>A on transcript NM_001039660.2 (MANE Select); coding-DNA position 239, G replaced by A.
Protein change: p.Gly80Glu; replaces glycine 80 with glutamic acid.
Molecular consequence: missense variant. On other transcripts: intron variant (1).
Genome position (GRCh38, 1-based): chr11:72,001,204, G>A. VCF-style: chr11-72001204-G-A. GRCh37 (hg19) VCF-style: chr11-71712250-G-A.
Other names: c.239G>A, p.Gly80Glu (NM_001039659.2, NM_001145057.1, NM_005699.3 and 2 more transcripts); c.236-580G>A (NM_001145055.1); short protein forms G80E.
Identifiers: ClinVar variation 2872727 (VCV002872727.3), dbSNP rs1378894874, ClinGen allele CA381721398.
Genomic context (GRCh38, chr11:72,001,204, plus strand): 5'-GCAGGGTAGGGGAAGGGCCTGCTCTTCTGAAGAGCTAACTGCTGCCTGTGTCCCTAGATG[G>A]AACGCTGAGCTTATCCTGTGTGGCCTGCAGCCGCTTCCCCAACTTCAGCATCCTCTACTG-3'
Protein context (NP_001034749.1, residues 70-90): TWPEVEVPLN[Gly80Glu]TLSLSCVACS

ClinVar aggregate classification (germline): Uncertain significance (1 of 4 stars; one submission).

Allele frequency attached by ClinVar (database versions not stated): gnomAD exomes below 0.00001; gnomAD 0.00001.
gnomAD v4.1: 8 of 1,614,018 alleles (0.0005%); highest among the groups gnomAD compares: African/African-American, 0.0013%; no homozygotes.

Submission:

Labcorp Genetics (formerly Invitae), Labcorp
Classification: Uncertain significance. Last evaluated: 2023-03-08. Review status: criteria provided, single submitter. Criteria: Invitae Variant Classification Sherloc (09022015). Collection method: clinical testing. Allele origin: germline.
Comment: In summary, the available evidence is currently insufficient to determine the role of this variant in disease. Therefore, it has been classified as a Variant of Uncertain Significance. Algorithms developed to predict the effect of missense changes on protein structure and function output the following: SIFT: "Not Available"; PolyPhen-2: "Benign"; Align-GVGD: "Not Available". The glutamic acid amino acid residue is found in multiple mammalian species, which suggests that this missense change does not adversely affect protein function. This variant has not been reported in the literature in individuals affected with IL18BP-related conditions. This variant is present in population databases (no rsID available, gnomAD 0.0009%). This sequence change replaces glycine, which is neutral and non-polar, with glutamic acid, which is acidic and polar, at codon 80 of the IL18BP protein (p.Gly80Glu).